The following is an entry in ClinVar:

ClinVar aggregate classification (germline): Likely benign. Review status: criteria provided, multiple submitters, no conflicts (2 of 4 stars). 5 submissions from 5 submitters: Likely benign (4). 1 of the submissions does not count toward it. Last evaluated 2026-01-13.

Conditions:
FANCF-related disorder. Also called: FANCF-related condition.
Fanconi anemia (FA). Also called: Fanconi's anemia. Identifiers: Orphanet 84, MedGen C0015625, MeSH D005199, MONDO:0019391.

Allele frequency attached by ClinVar (database versions not stated): ExAC 0.00015; gnomAD exomes 0.00017 and 0.00026; TOPMed 0.00018; gnomAD 0.00021 and 0.00022.
gnomAD v4.1: 415 of 1,608,644 alleles (0.026%); highest among the groups gnomAD compares: Non-Finnish European, 0.033%; no homozygotes.

Submissions (5):

Labcorp Genetics (formerly Invitae), Labcorp
Classification: Likely benign for Fanconi anemia. Last evaluated: 2026-01-13. Review status: criteria provided, single submitter. Criteria: Invitae Variant Classification Sherloc (09022015). Collection method: clinical testing. Allele origin: germline.

CeGaT Center for Human Genetics Tuebingen
Classification: Likely benign. Last evaluated: 2025-02-01. Review status: criteria provided, single submitter. Criteria: CeGaT Center For Human Genetics Tuebingen Variant Classification Criteria Version 2. Collection method: clinical testing. Allele origin: germline. Affected: yes. Observed: 3 variant alleles.
Comment: FANCF: BP4, BP7

Blueprint Genetics
Classification: Likely benign. Last evaluated: 2024-11-07. Review status: criteria provided, single submitter. Criteria: ACMG Guidelines, 2015. Collection method: clinical testing. Allele origin: germline.

Genetic Services Laboratory, University of Chicago
Classification: Likely benign. Last evaluated: 2019-10-09. Review status: criteria provided, single submitter. Criteria: ACMG Guidelines, 2015. Collection method: clinical testing. Allele origin: germline. Affected: no.

PreventionGenetics, part of Exact Sciences
Classification: Likely benign for FANCF-related condition. Last evaluated: 2019-09-13. Review status: no assertion criteria provided. Collection method: clinical testing. Allele origin: germline. Not counted in ClinVar's aggregate classification.
Comment: This variant is classified as likely benign based on ACMG/AMP sequence variant interpretation guidelines (Richards et al. 2015 PMID: 25741868, with internal and published modifications).

NM_022725.4(FANCF):c.687A>T (p.Ser229=)

Gene: FANCF (FA complementation group F; minus strand). Cytogenetic location: 11p14.3.
Variant type: single nucleotide variant.
Coding change: c.687A>T on transcript NM_022725.4 (MANE Select); coding-DNA position 687, A replaced by T.
Protein change: p.Ser229=; no amino-acid change (serine 229 retained).
Molecular consequence: synonymous variant.
Genome position (GRCh38, 1-based): chr11:22,625,124, T>A on the plus strand (A>T on the coding strand, the complement: FANCF is on the minus strand). VCF-style: chr11-22625124-T-A. GRCh37 (hg19) VCF-style: chr11-22646670-T-A.
Identifiers: ClinVar variation 414819 (VCV000414819.41), dbSNP rs776140806, ClinGen allele CA5924276.